The following is an entry in ClinVar:

NM_000245.4(MET):c.3856_3858delinsAAT (p.Asp1286Asn)

Gene: MET (MET proto-oncogene, receptor tyrosine kinase; plus strand). Cytogenetic location: 7q31.2.
Variant type: Indel.
Coding change: c.3856_3858delinsAAT on transcript NM_000245.4 (MANE Select); coding-DNA positions 3856 to 3858, GAC replaced by AAT.
Protein change: p.Asp1286Asn; replaces aspartic acid 1286 with asparagine.
Molecular consequence: missense variant.
Genome position (GRCh38, 1-based): chr7:116,795,712-116,795,714, GAC replaced by AAT. VCF-style: chr7-116795712-GAC-AAT. GRCh37 (hg19) VCF-style: chr7-116435766-GAC-AAT.
Other names: c.3910_3912delinsAAT, p.Asp1304Asn (NM_001127500.3); c.2566_2568delinsAAT, p.Asp856Asn (NM_001324402.2); short protein forms D1304N, D1286N, D856N.
Identifiers: ClinVar variation 3395114 (VCV003395114.1).
Genomic context (GRCh38, chr7:116,795,712, plus strand): 5'-TAGTGGTCCTTTGGCGTGCTCCTCTGGGAGCTGATGACAAGAGGAGCCCCACCTTATCCT[GAC>AAT]GTAAACACCTTTGATATAACTGTTTACTTGTTGCAAGGGAGAAGACTCCTACAACCCGAA-3'
Protein context (NP_000236.2, residues 1276-1296): LMTRGAPPYP[Asp1286Asn]VNTFDITVYL

ClinVar aggregate classification (germline): Uncertain significance (1 of 4 stars; one submission).

Conditions:
Hereditary cancer-predisposing syndrome. Also called: Hereditary Cancer Syndrome; Tumor predisposition; Hereditary neoplastic syndrome; Neoplastic Syndromes, Hereditary. Identifiers: Orphanet 140162, MedGen C0027672, MeSH D009386, MONDO:0015356.

Submission:

Ambry Genetics
Classification: Uncertain significance for Hereditary cancer-predisposing syndrome. Last evaluated: 2024-08-15. Review status: criteria provided, single submitter. Criteria: Ambry Variant Classification Scheme 2023. Collection method: clinical testing. Allele origin: germline.
Comment: The c.3910_3912delGACinsAAT variant (also known as p.D1304N), located in coding exon 19 of the MET gene, results from an in-frame deletion of GAC and insertion of AAT at nucleotide positions 3910 to 3912. This results in the substitution of the aspartic acid residue for an asparagine residue at codon 1304, an amino acid with highly similar properties. This amino acid position is well conserved in available vertebrate species. In addition, this alteration is predicted to be neutral by in silico analysis (Choi Y et al. PLoS ONE. 2012; 7(10):e46688). Since supporting evidence is limited at this time, the clinical significance of this alteration remains unclear.